The following is an entry in ClinVar:

NM_000057.4(BLM):c.1677T>A (p.Asp559Glu)

Gene: BLM (BLM RecQ like helicase; plus strand). Cytogenetic location: 15q26.1.
Variant type: single nucleotide variant.
Coding change: c.1677T>A on transcript NM_000057.4 (MANE Select); coding-DNA position 1677, T replaced by A.
Protein change: p.Asp559Glu; replaces aspartic acid 559 with glutamic acid.
Molecular consequence: missense variant.
Genome position (GRCh38, 1-based): chr15:90,761,050, T>A. VCF-style: chr15-90761050-T-A. GRCh37 (hg19) VCF-style: chr15-91304280-T-A.
Other names: c.1677T>A, p.Asp559Glu (NM_001287246.2, NM_001287247.2); c.552T>A, p.Asp184Glu (NM_001287248.2); short protein forms D184E, D559E.
Identifiers: ClinVar variation 942901 (VCV000942901.12), dbSNP rs780794194, ClinGen allele CA7738570.

ClinVar aggregate classification (germline): Uncertain significance. Review status: criteria provided, multiple submitters, no conflicts (2 of 4 stars). 3 submissions from 3 submitters: Uncertain significance (3). Last evaluated 2025-12-09.

Conditions:
Hereditary cancer-predisposing syndrome. Also called: Neoplastic Syndromes, Hereditary; Hereditary Cancer Syndrome; Tumor predisposition; Hereditary neoplastic syndrome. Identifiers: Orphanet 140162, MedGen C0027672, MeSH D009386, MONDO:0015356.
Bloom syndrome (BLM). Also called: Bloom-Torre-Machacek syndrome. Identifiers: Orphanet 125, MedGen C0005859, MONDO:0008876, OMIM 210900.

Allele frequency attached by ClinVar (database versions not stated): gnomAD exomes 0.00001; ExAC 0.00002.
gnomAD v4.1: 10 of 1,587,772 alleles (0.00063%); highest among the groups gnomAD compares: Non-Finnish European, 0.00077%; no homozygotes.

Submissions (3):

Labcorp Genetics (formerly Invitae), Labcorp
Classification: Uncertain significance for Bloom syndrome. Last evaluated: 2025-12-09. Review status: criteria provided, single submitter. Criteria: Invitae Variant Classification Sherloc (09022015). Collection method: clinical testing. Allele origin: germline.
Comment: This sequence change replaces aspartic acid, which is acidic and polar, with glutamic acid, which is acidic and polar, at codon 559 of the BLM protein (p.Asp559Glu). This variant is present in population databases (rs780794194, gnomAD 0.002%). This variant has not been reported in the literature in individuals affected with BLM-related conditions. ClinVar contains an entry for this variant (Variation ID: 942901). Invitae Evidence Modeling of protein sequence and biophysical properties (such as structural, functional, and spatial information, amino acid conservation, physicochemical variation, residue mobility, and thermodynamic stability) indicates that this missense variant is not expected to disrupt BLM protein function with a negative predictive value of 80%. In summary, the available evidence is currently insufficient to determine the role of this variant in disease. Therefore, it has been classified as a Variant of Uncertain Significance.

Ambry Genetics
Classification: Uncertain significance for Hereditary cancer-predisposing syndrome. Last evaluated: 2025-03-15. Review status: criteria provided, single submitter. Criteria: Ambry Variant Classification Scheme 2023. Collection method: clinical testing. Allele origin: germline.
Comment: The p.D559E variant (also known as c.1677T>A), located in coding exon 6 of the BLM gene, results from a T to A substitution at nucleotide position 1677. The aspartic acid at codon 559 is replaced by glutamic acid, an amino acid with highly similar properties. This amino acid position is highly conserved in available vertebrate species. In addition, this alteration is predicted to be tolerated by in silico analysis. Since supporting evidence is limited at this time, the clinical significance of this alteration remains unclear.

GeneDx
Classification: Uncertain significance. Last evaluated: 2024-09-15. Review status: criteria provided, single submitter. Criteria: GeneDx Variant Classification Process June 2021. Collection method: clinical testing. Allele origin: germline. Affected: yes.
Comment: In silico analysis indicates that this missense variant does not alter protein structure/function; Has not been previously published as pathogenic or benign to our knowledge